The following is an entry in ClinVar:

NM_001199799.2(ILDR1):c.283A>T (p.Asn95Tyr)

Gene: ILDR1 (immunoglobulin like domain containing receptor 1; minus strand). Cytogenetic location: 3q13.33.
Variant type: single nucleotide variant.
Coding change: c.283A>T on transcript NM_001199799.2 (MANE Select); coding-DNA position 283, A replaced by T.
Protein change: p.Asn95Tyr; replaces asparagine 95 with tyrosine.
Molecular consequence: missense variant.
Genome position (GRCh38, 1-based): chr3:122,005,340, T>A on the plus strand (A>T on the coding strand, the complement: ILDR1 is on the minus strand). VCF-style: chr3-122005340-T-A. GRCh37 (hg19) VCF-style: chr3-121724187-T-A.
Other names: c.283A>T, p.Asn95Tyr (NM_001199800.2, NM_175924.4); short protein forms N95Y.
Identifiers: ClinVar variation 3899036 (VCV003899036.1).

ClinVar aggregate classification (germline): Uncertain significance (1 of 4 stars; one submission).

Submission:

GeneDx
Classification: Uncertain significance. Last evaluated: 2024-11-06. Review status: criteria provided, single submitter. Criteria: GeneDx Variant Classification Process June 2021. Collection method: clinical testing. Allele origin: germline. Affected: yes.
Comment: Not observed at significant frequency in large population cohorts (gnomAD); In silico analysis supports that this missense variant has a deleterious effect on protein structure/function; Has not been previously published as pathogenic or benign to our knowledge